The following is an entry in ClinVar:

NM_000138.5(FBN1):c.2816del (p.Ser939fs)

Gene: FBN1 (fibrillin 1; minus strand). Cytogenetic location: 15q21.1.
Variant type: Deletion.
Coding change: c.2816del on transcript NM_000138.5 (MANE Select); coding-DNA position 2816, one base deleted (G; older notation c.2816delG).
Protein change: p.Ser939fs; shifts the reading frame from serine 939.
Molecular consequence: frameshift variant.
Genome position (GRCh38, 1-based): chr15:48,492,499, C deleted on the plus strand (G on the coding strand, the reverse complement: FBN1 is on the minus strand). VCF-style (leftmost placement, unchanged base first): chr15-48492498-AC-A. GRCh37 (hg19) VCF-style: chr15-48784695-AC-A.
Other names: c.2816delG (NM_000138.4); short protein forms S939fs.
Identifiers: ClinVar variation 452698 (VCV000452698.2), dbSNP rs1555398976, ClinGen allele CA658656469.
Genomic context (GRCh38, chr15:48,492,498, plus strand): 5'-AAAATAATGAGCTCAGTATTTACCAAGACAGATCCTTCCTGTGGCATCCAAAGTCATTCC[AC>A]TGGGACACTGACACTTGAATGACCCCCTAGTGTTAACACACAGGCCATTTTTACACACTC-3'

ClinVar aggregate classification (germline): Pathogenic (1 of 4 stars; one submission).

Submission:

GeneDx
Classification: Pathogenic. Last evaluated: 2017-10-16. Review status: criteria provided, single submitter. Criteria: GeneDx Variant Classification (06012015). Collection method: clinical testing. Allele origin: germline. Affected: yes.
Comment: Although the c.2816delG pathogenic variant in the FBN1 gene has not been reported to our knowledge, this variant causes a shift in reading frame starting at codon serine 939, changing it to a methionine, and creating a premature stop codon at position 3 of the new reading frame, denoted p.Ser939MetfsX3. This pathogenic variant is expected to result in either an abnormal, truncated protein product or loss of protein from this allele through nonsense-mediated mRNA decay. Other frameshift variants in the FBN1 gene have been reported in Human Gene Mutation Database in association with Marfan syndrome (Stenson et al., 2014), indicating that loss of function is a mechanism of disease for this gene. Furthermore, the c.2816delG variant has not been observed in large population cohorts (Lek et al., 2016).